The following is an entry in ClinVar:

ClinVar aggregate classification (germline): Conflicting classifications of pathogenicity. Review status: criteria provided, conflicting classifications (1 of 4 stars). 2 submissions from 2 submitters: Uncertain significance (1); Likely benign (1). Last evaluated 2024-10-12.

Conditions:
Imerslund-Grasbeck syndrome. Also called: ENTEROCYTE COBALAMIN MALABSORPTION; ENTEROCYTE INTRINSIC FACTOR RECEPTOR, DEFECT OF; PERNICIOUS ANEMIA, JUVENILE, DUE TO SELECTIVE INTESTINAL MALABSORPTION OF VITAMIN B12, WITH PROTEINURIA; Megaloblastic anemia due to inborn errors of metabolism; Imerslund-Gräsbeck syndrome. Identifiers: Orphanet 35858, MedGen C4551825, MONDO:0009853.
Inborn genetic diseases. Identifiers: MedGen C0950123, MeSH D030342.

Allele frequency attached by ClinVar (database versions not stated): gnomAD exomes 0.00001 and 0.00008; TOPMed 0.00003; ExAC 0.00006.
gnomAD v4.1: 17 of 1,613,104 alleles (0.0011%); highest among the groups gnomAD compares: East Asian, 0.016%; no homozygotes.

Submissions (2):

Ambry Genetics
Classification: Likely benign for Inborn genetic diseases. Last evaluated: 2024-10-12. Review status: criteria provided, single submitter. Criteria: Ambry Variant Classification Scheme 2023. Collection method: clinical testing. Allele origin: germline.

Labcorp Genetics (formerly Invitae), Labcorp
Classification: Uncertain significance for Imerslund-Grasbeck syndrome. Last evaluated: 2022-07-25. Review status: criteria provided, single submitter. Criteria: Invitae Variant Classification Sherloc (09022015). Collection method: clinical testing. Allele origin: germline.
Comment: In summary, the available evidence is currently insufficient to determine the role of this variant in disease. Therefore, it has been classified as a Variant of Uncertain Significance. Algorithms developed to predict the effect of missense changes on protein structure and function output the following: SIFT: "Tolerated"; PolyPhen-2: "Benign"; Align-GVGD: "Class C0". The glutamine amino acid residue is found in multiple mammalian species, which suggests that this missense change does not adversely affect protein function. ClinVar contains an entry for this variant (Variation ID: 1395614). This variant has not been reported in the literature in individuals affected with CUBN-related conditions. This variant is present in population databases (rs755862991, gnomAD 0.06%). This sequence change replaces arginine, which is basic and polar, with glutamine, which is neutral and polar, at codon 1275 of the CUBN protein (p.Arg1275Gln).

NM_001081.4(CUBN):c.3824G>A (p.Arg1275Gln)

Gene: CUBN (cubilin; minus strand). Cytogenetic location: 10p13.
Variant type: single nucleotide variant.
Coding change: c.3824G>A on transcript NM_001081.4 (MANE Select); coding-DNA position 3824, G replaced by A.
Protein change: p.Arg1275Gln; replaces arginine 1275 with glutamine.
Molecular consequence: missense variant.
Genome position (GRCh38, 1-based): chr10:17,043,832, C>T on the plus strand (G>A on the coding strand, the complement: CUBN is on the minus strand). VCF-style: chr10-17043832-C-T. GRCh37 (hg19) VCF-style: chr10-17085831-C-T.
Other names: c.3824G>A (NM_001081.3); short protein forms R1275Q.
Identifiers: ClinVar variation 1395614 (VCV001395614.8), dbSNP rs755862991, ClinGen allele CA5424562.